The following is an entry in ClinVar:

NM_024996.7(GFM1):c.81+3A>G

Gene: GFM1 (G elongation factor mitochondrial 1; plus strand). Cytogenetic location: 3q25.32.
Variant type: single nucleotide variant.
Coding change: c.81+3A>G on transcript NM_024996.7 (MANE Select); 3 bases into the intron after coding-DNA position 81, A replaced by G.
Molecular consequence: intron variant. On other transcripts: 5 prime UTR variant (1).
Genome position (GRCh38, 1-based): chr3:158,644,718, A>G. VCF-style: chr3-158644718-A-G. GRCh37 (hg19) VCF-style: chr3-158362507-A-G.
Other names: c.-308A>G (NM_001374357.1); c.81+3A>G (NM_001308164.2, NM_001374355.1, NM_001374356.1 and 2 more transcripts); c.-149+3A>G (NM_001374359.1, NM_001374360.1, NM_001374361.1).
Identifiers: ClinVar variation 2418078 (VCV002418078.3), dbSNP rs1721602573, ClinGen allele CA1414368161.

ClinVar aggregate classification (germline): Uncertain significance (1 of 4 stars; one submission).

Allele frequency attached by ClinVar (database versions not stated): gnomAD exomes below 0.00001; TOPMed 0.00001.

Submission:

Labcorp Genetics (formerly Invitae), Labcorp
Classification: Uncertain significance. Last evaluated: 2022-08-21. Review status: criteria provided, single submitter. Criteria: Invitae Variant Classification Sherloc (09022015). Collection method: clinical testing. Allele origin: germline.
Comment: This sequence change falls in intron 1 of the GFM1 gene. It does not directly change the encoded amino acid sequence of the GFM1 protein. It affects a nucleotide within the consensus splice site. This variant is not present in population databases (gnomAD no frequency). This variant has not been reported in the literature in individuals affected with GFM1-related conditions. Variants that disrupt the consensus splice site are a relatively common cause of aberrant splicing (PMID: 17576681, 9536098). Algorithms developed to predict the effect of sequence changes on RNA splicing suggest that this variant may disrupt the consensus splice site. In summary, the available evidence is currently insufficient to determine the role of this variant in disease. Therefore, it has been classified as a Variant of Uncertain Significance.

Literature cited by the submitters: PubMed 17576681; PubMed 9536098.